The following is an entry in ClinVar:

ClinVar aggregate classification (germline): Uncertain significance (1 of 4 stars; one submission).

Submission:

Labcorp Genetics (formerly Invitae), Labcorp
Classification: Uncertain significance. Last evaluated: 2022-09-01. Review status: criteria provided, single submitter. Criteria: Invitae Variant Classification Sherloc (09022015). Collection method: clinical testing. Allele origin: germline.
Comment: In summary, the available evidence is currently insufficient to determine the role of this variant in disease. Therefore, it has been classified as a Variant of Uncertain Significance. Algorithms developed to predict the effect of missense changes on protein structure and function are either unavailable or do not agree on the potential impact of this missense change (SIFT: "Tolerated"; PolyPhen-2: "Not Available"; Align-GVGD: "Class C0"). This variant has not been reported in the literature in individuals affected with PCLO-related conditions. This variant is not present in population databases (gnomAD no frequency). This sequence change replaces threonine, which is neutral and polar, with proline, which is neutral and non-polar, at codon 4655 of the PCLO protein (p.Thr4655Pro).

NM_033026.6(PCLO):c.13963A>C (p.Thr4655Pro)

Gene: PCLO (piccolo presynaptic cytomatrix protein; minus strand). Cytogenetic location: 7q21.11.
Variant type: single nucleotide variant.
Coding change: c.13963A>C on transcript NM_033026.6 (MANE Select); coding-DNA position 13963, A replaced by C.
Protein change: p.Thr4655Pro; replaces threonine 4655 with proline.
Molecular consequence: missense variant.
Genome position (GRCh38, 1-based): chr7:82,845,354, T>G on the plus strand (A>C on the coding strand, the complement: PCLO is on the minus strand). VCF-style: chr7-82845354-T-G. GRCh37 (hg19) VCF-style: chr7-82474670-T-G.
Other names: c.13963A>C, p.Thr4655Pro (NM_014510.3); short protein forms T4655P.
Identifiers: ClinVar variation 2013684 (VCV002013684.4), dbSNP rs765497125, ClinGen allele CA367878828.
Genomic context (GRCh38, chr7:82,845,354, plus strand): 5'-TGCTCACTGAGGGGGACCCTGGTTGCCCAGGGCTGGGAACGGAACTGGATCCTGCTGATG[T>G]AGGACCTGAATGAACATGAGATCCTTTTTCAACAACTGATGACAGAACCAGCGGTGACTG-3'
Protein context (NP_149015.2, residues 4645-4665): EKGSHVHSGP[Thr4655Pro]SAGSSSVPSP